The following is an entry in ClinVar:

NM_000276.4(OCRL):c.1791C>A (p.Cys597Ter)

Gene: OCRL (OCRL inositol polyphosphate-5-phosphatase; plus strand). Cytogenetic location: Xq26.1.
Variant type: single nucleotide variant.
Coding change: c.1791C>A on transcript NM_000276.4 (MANE Select); coding-DNA position 1791, C replaced by A.
Protein change: p.Cys597Ter; replaces cysteine 597 with a stop codon.
Molecular consequence: nonsense.
Genome position (GRCh38, 1-based): chrX:129,575,974, C>A. VCF-style: chrX-129575974-C-A. GRCh37 (hg19) VCF-style: chrX-128709951-C-A.
Other names: c.1794C>A, p.Cys598Ter (NM_001318784.2); c.1791C>A, p.Cys597Ter (NM_001587.4); short protein forms C598*, C597*.
Identifiers: ClinVar variation 4721505 (VCV004721505.1).

ClinVar aggregate classification (germline): Pathogenic (1 of 4 stars; one submission).

Conditions:
Lowe syndrome (OCRL). Also called: LOWE OCULOCEREBRORENAL SYNDROME; PHOSPHATIDYLINOSITOL 4,5-BISPHOSPHATE 5-PHOSPHATASE DEFICIENCY; Oculocerebrorenal Syndrome. Identifiers: Orphanet 534, MedGen C0028860, MONDO:0010645, OMIM 309000.

Submission:

Labcorp Genetics (formerly Invitae), Labcorp
Classification: Pathogenic for Lowe syndrome. Last evaluated: 2025-06-15. Review status: criteria provided, single submitter. Criteria: Invitae Variant Classification Sherloc (09022015). Collection method: clinical testing. Allele origin: germline.
Comment: This sequence change creates a premature translational stop signal (p.Cys597*) in the OCRL gene. It is expected to result in an absent or disrupted protein product. Loss-of-function variants in OCRL are known to be pathogenic (PMID: 19390221, 21031565, 22381590). This variant is not present in population databases (gnomAD no frequency). This variant has not been reported in the literature in individuals affected with OCRL-related conditions. For these reasons, this variant has been classified as Pathogenic.

Literature cited by the submitters: PubMed 19390221; PubMed 21031565; PubMed 22381590.